The following is an entry in ClinVar:

ClinVar aggregate classification (germline): Pathogenic (1 of 4 stars; one submission).

Conditions:
Autism spectrum disorder. Also called: Autism spectrum disorders. Identifiers: MedGen C1510586, MeSH D000067877, MONDO:0005258.

Submission:

Victorian Clinical Genetics Services, Murdoch Childrens Research Institute
Classification: Pathogenic for Autism spectrum disorder. Last evaluated: 2024-10-08. Review status: criteria provided, single submitter. Criteria: ACMG Guidelines, 2015. Collection method: clinical testing. Allele origin: germline. Inheritance: Autosomal dominant inheritance. Affected: yes.
Comment: Based on the classification scheme VCGS_Germline_v1.3.4, this variant is classified as Pathogenic. Following criteria are met: 0102 - Loss of function is a suggested mechanism of disease in this gene and is associated with autism spectrum disorder (MONDO#0005258), GIGYF1-related (PMID: 35917186). (I) 0107 - This gene is associated with autosomal dominant disease. (I) 0112 - The condition associated with this gene has incomplete penetrance. A pathogenic variant in this gene has been reported to be inherited from unaffected parents in several families (PMID: 35917186). (I) 0201- Variant is predicted to cause nonsense-mediated decay (NMD) and loss of protein (premature termination codon is located at least 54 nucleotides upstream of the final exon-exon junction). (SP) 0251 - This variant is heterozygous. (I) 0301 - Variant is absent from gnomAD (both v2 and v3). (SP) 0701 - Other NMD-predicted variants comparable to the one identified in this case have very strong previous evidence for pathogenicity (PMID: 35917186). (SP) 0807 - This variant has no previous evidence of pathogenicity. (I) 0905 - No published segregation evidence has been identified for this variant. (I) 1007 - No published functional evidence has been identified for this variant. (SP) Legend: (SP) - Supporting pathogenic, (I) - Information, (SB) - Supporting benign

Literature cited by the submitters: PubMed 35917186.

NM_001375765.1(GIGYF1):c.1683del (p.Leu562fs)

Gene: GIGYF1 (GRB10 interacting GYF protein 1; minus strand). Cytogenetic location: 7q22.1.
Variant type: Deletion.
Coding change: c.1683del on transcript NM_001375765.1 (MANE Select); coding-DNA position 1683, one base deleted (C; older notation c.1683delC).
Protein change: p.Leu562fs; shifts the reading frame from leucine 562.
Molecular consequence: frameshift variant. On other transcripts: non-coding transcript variant (1).
Genome position (GRCh38, 1-based): chr7:100,684,284, G deleted on the plus strand (C on the coding strand, the reverse complement: GIGYF1 is on the minus strand); the first of 2 consecutive G bases (chr7:100,684,284-100,684,285); deleting either gives the same sequence. VCF-style (leftmost placement, unchanged base first): chr7-100684283-AG-A. GRCh37 (hg19) VCF-style: chr7-100281906-AG-A.
Other names: NM_022574.5:c.1683delC; c.1683del, p.Leu562fs (NM_001375759.1, NM_001375760.1, NM_001375761.1 and 6 more transcripts); short protein forms L562fs.
Identifiers: ClinVar variation 3377153 (VCV003377153.1).